The following is an entry in ClinVar:

ClinVar aggregate classification (germline): Uncertain significance (1 of 4 stars; one submission).

Submission:

Labcorp Genetics (formerly Invitae), Labcorp
Classification: Uncertain significance. Last evaluated: 2026-01-17. Review status: criteria provided, single submitter. Criteria: Invitae Variant Classification Sherloc (09022015). Collection method: clinical testing. Allele origin: germline.
Comment: This sequence change replaces glutamine, which is neutral and polar, with proline, which is neutral and non-polar, at codon 59 of the TNFAIP3 protein (p.Gln59Pro). This variant is not present in population databases (gnomAD no frequency). This variant has not been reported in the literature in individuals affected with TNFAIP3-related conditions. Invitae Evidence Modeling of protein sequence and biophysical properties (such as structural, functional, and spatial information, amino acid conservation, physicochemical variation, residue mobility, and thermodynamic stability) indicates that this missense variant is not expected to disrupt TNFAIP3 protein function with a negative predictive value of 80%. In summary, the available evidence is currently insufficient to determine the role of this variant in disease. Therefore, it has been classified as a Variant of Uncertain Significance.

NM_001270508.2(TNFAIP3):c.176A>C (p.Gln59Pro)

Gene: TNFAIP3 (TNF alpha induced protein 3; plus strand). Cytogenetic location: 6q23.3.
Variant type: single nucleotide variant.
Coding change: c.176A>C on transcript NM_001270508.2 (MANE Select); coding-DNA position 176, A replaced by C.
Protein change: p.Gln59Pro; replaces glutamine 59 with proline.
Molecular consequence: missense variant.
Genome position (GRCh38, 1-based): chr6:137,871,403, A>C. VCF-style: chr6-137871403-A-C. GRCh37 (hg19) VCF-style: chr6-138192540-A-C.
Other names: c.176A>C, p.Gln59Pro (NM_001270507.2, NM_006290.4); short protein forms Q59P.
Identifiers: ClinVar variation 4696668 (VCV004696668.1).